The following is an entry in ClinVar:

NM_014014.5(SNRNP200):c.5943T>C (p.Ser1981=)

Gene: SNRNP200 (small nuclear ribonucleoprotein U5 subunit 200; minus strand). Cytogenetic location: 2q11.2.
Variant type: single nucleotide variant.
Coding change: c.5943T>C on transcript NM_014014.5 (MANE Select); coding-DNA position 5943, T replaced by C.
Protein change: p.Ser1981=; no amino-acid change (serine 1981 retained).
Molecular consequence: synonymous variant.
Genome position (GRCh38, 1-based): chr2:96,277,230, A>G on the plus strand (T>C on the coding strand, the complement: SNRNP200 is on the minus strand). VCF-style: chr2-96277230-A-G. GRCh37 (hg19) VCF-style: chr2-96942968-A-G.
Identifiers: ClinVar variation 337529 (VCV000337529.17), dbSNP rs754294342, ClinGen allele CA1777851.
Genomic context (GRCh38, chr2:96,277,230, plus strand): 5'-GTCAGTCAGCTGAAGCAACGCGTTCCGTTCTTCATCCTCCATCTCCATGATGTCGAAAAC[A>G]CTCTCCACTCCCTGCAGTGAGTATTCAGACGTCAGGAAAGAGAGAACACGGGCCAACAGC-3'
Protein context (NP_054733.2, residues 1971-1991): IKRCTDKGVE[Ser1981=]VFDIMEMEDE

ClinVar aggregate classification (germline): Benign/Likely benign. Review status: criteria provided, multiple submitters, no conflicts (2 of 4 stars). 5 submissions from 5 submitters: Benign (2); Likely benign (2). 1 of the submissions does not count toward it. Last evaluated 2025-05-13.

Conditions:
SNRNP200-related disorder. Also called: SNRNP200-related condition.
Retinal dystrophy. Also called: Inherited retinal dystrophy. Identifiers: Orphanet 71862, MedGen C0854723, MeSH D058499, MONDO:0019118, HP:0000556.
Retinitis pigmentosa (RP). Identifiers: Orphanet 791, MedGen C0035334, MeSH D012174, MONDO:0019200, OMIM 268000. Inheritance: Autosomal dominant, autosomal recessive and X linked inheritance.

Allele frequency attached by ClinVar (database versions not stated): gnomAD 0.00002 and 0.00004; gnomAD exomes 0.00006 and 0.00010; TOPMed 0.00007; ExAC 0.00012.
gnomAD v4.1: 92 of 1,613,760 alleles (0.0057%); highest among the groups gnomAD compares: East Asian, 0.2%; 1 homozygote.

Submissions (5):

Labcorp Genetics (formerly Invitae), Labcorp
Classification: Benign. Last evaluated: 2025-05-13. Review status: criteria provided, single submitter. Criteria: Invitae Variant Classification Sherloc (09022015). Collection method: clinical testing. Allele origin: germline.

Dept Of Ophthalmology, Nagoya University
Classification: Benign for Retinal dystrophy. Last evaluated: 2023-10-01. Review status: criteria provided, single submitter. Criteria: Submitter's publication. Collection method: research. Allele origin: germline. Affected: yes.

Blueprint Genetics
Classification: Likely benign. Last evaluated: 2020-04-29. Review status: criteria provided, single submitter. Criteria: ACMG Guidelines, 2015. Collection method: clinical testing. Allele origin: germline.

Illumina Laboratory Services, Illumina
Classification: Likely benign for Retinitis pigmentosa. Last evaluated: 2018-01-13. Review status: criteria provided, single submitter. Criteria: ICSL Variant Classification Criteria 13 December 2019. Collection method: clinical testing. Allele origin: germline.
Comment: This variant was observed in the ICSL laboratory as part of a predisposition screen in an ostensibly healthy population. It had not been previously curated by ICSL or reported in the Human Gene Mutation Database (HGMD: prior to June 1st, 2018), and was therefore a candidate for classification through an automated scoring system. Utilizing variant allele frequency, disease prevalence and penetrance estimates, and inheritance mode, an automated score was calculated to assess if this variant is too frequent to cause the disease. Based on the score and internal cut-off values, a variant classified as likely benign is not then subjected to further curation. The score for this variant resulted in a classification of likely benign for this disease.

PreventionGenetics, part of Exact Sciences
Classification: Likely benign for SNRNP200-related condition. Last evaluated: 2019-07-17. Review status: no assertion criteria provided. Collection method: clinical testing. Allele origin: germline. Not counted in ClinVar's aggregate classification.
Comment: This variant is classified as likely benign based on ACMG/AMP sequence variant interpretation guidelines (Richards et al. 2015 PMID: 25741868, with internal and published modifications).